The following is an entry in ClinVar:

NM_000061.3(BTK):c.482A>C (p.Asn161Thr)

Gene: BTK (Bruton tyrosine kinase; minus strand). Cytogenetic location: Xq22.1.
Variant type: single nucleotide variant.
Coding change: c.482A>C on transcript NM_000061.3 (MANE Select); coding-DNA position 482, A replaced by C.
Protein change: p.Asn161Thr; replaces asparagine 161 with threonine.
Molecular consequence: missense variant.
Genome position (GRCh38, 1-based): chrX:101,362,599, T>G on the plus strand (A>C on the coding strand, the complement: BTK is on the minus strand). VCF-style: chrX-101362599-T-G. GRCh37 (hg19) VCF-style: chrX-100617587-T-G.
Other names: c.482A>C (NM_000061.2); c.584A>C, p.Asn195Thr (NM_001287344.2); c.482A>C, p.Asn161Thr (NM_001287345.2); short protein forms N195T, N161T.
Identifiers: ClinVar variation 1425340 (VCV001425340.6), dbSNP rs371085740, ClinGen allele CA10473170.

ClinVar aggregate classification (germline): Uncertain significance. Review status: criteria provided, multiple submitters, no conflicts (2 of 4 stars). 2 submissions from 2 submitters: Uncertain significance (2). Last evaluated 2022-08-29.

Conditions:
BTK-related disorder. Also called: BTK-related condition.
X-linked agammaglobulinemia with growth hormone deficiency (IGHD3). Also called: FLEISHER SYNDROME; Isolated growth hormone deficiency type 3; Growth hormone deficiency with hypogammaglobulinemia; AGAMMAGLOBULINEMIA AND ISOLATED GROWTH HORMONE DEFICIENCY, X-LINKED; HYPOGAMMAGLOBULINEMIA AND ISOLATED GROWTH HORMONE DEFICIENCY, X-LINKED; IGHD III. Identifiers: Orphanet 231692, Orphanet 631, MedGen C0472813, MONDO:0010615, OMIM 307200.

Allele frequency attached by ClinVar (database versions not stated): ExAC 0.00001; gnomAD exomes 0.00001; TOPMed 0.00001; gnomAD 0.00002; ESP Exome Variant Server 0.00009.
gnomAD v4.1: 6 of 1,210,377 alleles (0.0005%); highest among the groups gnomAD compares: Non-Finnish European, 0.00067%; no homozygotes.

Submissions (2):

PreventionGenetics, part of Exact Sciences
Classification: Uncertain significance for BTK-related condition. Last evaluated: 2022-08-29. Review status: criteria provided, single submitter. Criteria: ACMG Guidelines, 2015. Collection method: clinical testing. Allele origin: germline.
Comment: The BTK c.482A>C variant is predicted to result in the amino acid substitution p.Asn161Thr. To our knowledge, this variant has not been reported in the literature or in a large population database, indicating this variant is rare. At this time, the clinical significance of this variant is uncertain due to the absence of conclusive functional and genetic evidence.

Labcorp Genetics (formerly Invitae), Labcorp
Classification: Uncertain significance for X-linked agammaglobulinemia with growth hormone deficiency. Last evaluated: 2021-08-26. Review status: criteria provided, single submitter. Criteria: Invitae Variant Classification Sherloc (09022015). Collection method: clinical testing. Allele origin: germline.
Comment: This sequence change replaces asparagine with threonine at codon 161 of the BTK protein (p.Asn161Thr). The asparagine residue is moderately conserved and there is a small physicochemical difference between asparagine and threonine. This variant is present in population databases (rs371085740, ExAC 0.002%). This variant has not been reported in the literature in individuals affected with BTK-related conditions. Advanced modeling of protein sequence and biophysical properties (such as structural, functional, and spatial information, amino acid conservation, physicochemical variation, residue mobility, and thermodynamic stability) performed at Invitae indicates that this missense variant is not expected to disrupt BTK protein function. In summary, the available evidence is currently insufficient to determine the role of this variant in disease. Therefore, it has been classified as a Variant of Uncertain Significance.